The following is an entry in ClinVar:

ClinVar aggregate classification (germline): Uncertain significance. Review status: criteria provided, multiple submitters, no conflicts (2 of 4 stars). 4 submissions from 4 submitters: Uncertain significance (3). 1 of the submissions does not count toward it. Last evaluated 2025-09-23.

Conditions:
FAT1-related disorder. Also called: FAT1-related condition.
Inborn genetic diseases. Identifiers: MedGen C0950123, MeSH D030342.

Allele frequency attached by ClinVar (database versions not stated): gnomAD exomes 0.00004; ExAC 0.00015; 1000 Genomes Project 30x 0.00031; 1000 Genomes Project 0.00040; gnomAD 0.00051; TOPMed 0.00051; ESP Exome Variant Server 0.00067.
gnomAD v4.1: 148 of 1,614,002 alleles (0.0092%); highest among the groups gnomAD compares: African/African-American, 0.17%; 1 homozygote.

Submissions (4):

Labcorp Genetics (formerly Invitae), Labcorp
Classification: Uncertain significance. Last evaluated: 2025-09-23. Review status: criteria provided, single submitter. Criteria: Invitae Variant Classification Sherloc (09022015). Collection method: clinical testing. Allele origin: germline.
Comment: This sequence change replaces isoleucine, which is neutral and non-polar, with valine, which is neutral and non-polar, at codon 572 of the FAT1 protein (p.Ile572Val). This variant is present in population databases (rs138096265, gnomAD 0.2%). This variant has not been reported in the literature in individuals affected with FAT1-related conditions. ClinVar contains an entry for this variant (Variation ID: 2045122). An algorithm developed to predict the effect of missense changes on protein structure and function outputs the following: PolyPhen-2: "Benign". The valine amino acid residue is found in multiple mammalian species, which suggests that this missense change does not adversely affect protein function. In summary, the available evidence is currently insufficient to determine the role of this variant in disease. Therefore, it has been classified as a Variant of Uncertain Significance.

Ambry Genetics
Classification: Uncertain significance for Inborn genetic diseases. Last evaluated: 2025-02-19. Review status: criteria provided, single submitter. Criteria: Ambry Variant Classification Scheme 2023. Collection method: clinical testing. Allele origin: germline.

GeneDx
Classification: Uncertain significance. Last evaluated: 2024-04-12. Review status: criteria provided, single submitter. Criteria: GeneDx Variant Classification Process June 2021. Collection method: clinical testing. Allele origin: germline. Affected: yes.
Comment: In silico analysis indicates that this missense variant does not alter protein structure/function; Has not been previously published as pathogenic or benign to our knowledge

PreventionGenetics, part of Exact Sciences
Classification: Likely benign for FAT1-related condition. Last evaluated: 2023-12-27. Review status: no assertion criteria provided. Collection method: clinical testing. Allele origin: germline. Not counted in ClinVar's aggregate classification.
Comment: This variant is classified as likely benign based on ACMG/AMP sequence variant interpretation guidelines (Richards et al. 2015 PMID: 25741868, with internal and published modifications).

NM_005245.4(FAT1):c.1714A>G (p.Ile572Val)

Gene: FAT1 (FAT atypical cadherin 1; minus strand). Cytogenetic location: 4q35.2.
Variant type: single nucleotide variant.
Coding change: c.1714A>G on transcript NM_005245.4 (MANE Select); coding-DNA position 1714, A replaced by G.
Protein change: p.Ile572Val; replaces isoleucine 572 with valine.
Molecular consequence: missense variant.
Genome position (GRCh38, 1-based): chr4:186,708,114, T>C on the plus strand (A>G on the coding strand, the complement: FAT1 is on the minus strand). VCF-style: chr4-186708114-T-C. GRCh37 (hg19) VCF-style: chr4-187629268-T-C.
Other names: short protein forms I572V.
Identifiers: ClinVar variation 2045122 (VCV002045122.8), dbSNP rs138096265, ClinGen allele CA3167404.